The following is an entry in ClinVar:

ClinVar aggregate classification (germline): Uncertain significance (1 of 4 stars; one submission).

gnomAD v4.1: 3 of 1,210,167 alleles (0.00025%); highest among the groups gnomAD compares: Non-Finnish European, 0.00034%; no homozygotes.

Submission:

Labcorp Genetics (formerly Invitae), Labcorp
Classification: Uncertain significance. Last evaluated: 2024-09-08. Review status: criteria provided, single submitter. Criteria: Invitae Variant Classification Sherloc (09022015). Collection method: clinical testing. Allele origin: germline.
Comment: This sequence change replaces glutamic acid, which is acidic and polar, with aspartic acid, which is acidic and polar, at codon 369 of the COL4A5 protein (p.Glu369Asp). This variant is not present in population databases (gnomAD no frequency). This variant has not been reported in the literature in individuals affected with COL4A5-related conditions. Invitae Evidence Modeling of protein sequence and biophysical properties (such as structural, functional, and spatial information, amino acid conservation, physicochemical variation, residue mobility, and thermodynamic stability) indicates that this missense variant is not expected to disrupt COL4A5 protein function with a negative predictive value of 95%. In summary, the available evidence is currently insufficient to determine the role of this variant in disease. Therefore, it has been classified as a Variant of Uncertain Significance.

NM_033380.3(COL4A5):c.1107A>C (p.Glu369Asp)

Gene: COL4A5 (collagen type IV alpha 5 chain; plus strand). Cytogenetic location: Xq22.3.
Variant type: single nucleotide variant.
Coding change: c.1107A>C on transcript NM_033380.3 (MANE Select); coding-DNA position 1107, A replaced by C.
Protein change: p.Glu369Asp; replaces glutamic acid 369 with aspartic acid.
Molecular consequence: missense variant.
Genome position (GRCh38, 1-based): chrX:108,586,689, A>C. VCF-style: chrX-108586689-A-C. GRCh37 (hg19) VCF-style: chrX-107829919-A-C.
Other names: c.1107A>C, p.Glu369Asp (NM_000495.5); short protein forms E369D.
Identifiers: ClinVar variation 3671812 (VCV003671812.2).
Genomic context (GRCh38, chrX:108,586,689, plus strand): 5'-TGGGACTGGTATAACTATAGGAGAAAAAGGAAACATTGGGTTGCCTGGGTTGCCTGGAGA[A>C]AAAGGAGAGCGAGGATTTCCTGGAATACAGGGTCCACCTGGCCTTCCTGGACCTCCAGGT-3'
Protein context (NP_203699.1, residues 359-379): GNIGLPGLPG[Glu369Asp]KGERGFPGIQ